The following is an entry in ClinVar:

NM_001172509.2(SATB2):c.572T>G (p.Leu191Ter)

Gene: SATB2 (SATB homeobox 2; minus strand). Cytogenetic location: 2q33.1.
Variant type: single nucleotide variant.
Coding change: c.572T>G on transcript NM_001172509.2 (MANE Select); coding-DNA position 572, T replaced by G.
Protein change: p.Leu191Ter; replaces leucine 191 with a stop codon.
Molecular consequence: nonsense.
Genome position (GRCh38, 1-based): chr2:199,380,389, A>C on the plus strand (T>G on the coding strand, the complement: SATB2 is on the minus strand). VCF-style: chr2-199380389-A-C. GRCh37 (hg19) VCF-style: chr2-200245112-A-C.
Other names: c.572T>G, p.Leu191Ter (NM_001172517.1, NM_015265.4); short protein forms L191*.
Identifiers: ClinVar variation 4818981 (VCV004818981.1).

ClinVar aggregate classification (germline): Pathogenic (1 of 4 stars; one submission).

Conditions:
Chromosome 2q32-q33 deletion syndrome (GLASS). Also called: Glass syndrome; 2q33.1 deletion syndrome. Identifiers: Orphanet 251019, MedGen C2676739, MONDO:0012864, OMIM 612313.

Submission:

Victorian Clinical Genetics Services, Murdoch Childrens Research Institute
Classification: Pathogenic for Chromosome 2q32-q33 deletion syndrome. Last evaluated: 2025-11-20. Review status: criteria provided, single submitter. Criteria: ACMG Guidelines, 2015. Collection method: clinical testing. Allele origin: germline. Affected: yes.
Comment: This variant is classified as Pathogenic. Evidence in support of pathogenic classification: Variant is predicted to cause nonsense-mediated decay (NMD) and loss of protein (premature termination codon is located at least 54 nucleotides upstream of the final exon-exon junction); Variant is absent from gnomAD (v2, v3 and v4); Other NMD-predicted variant(s) comparable to the one identified in this case have very strong previous evidence for pathogenicity (DECIPHER); Additional information: This variant is heterozygous; This gene is associated with autosomal dominant disease; Loss of function is a known mechanism of disease in this gene and is associated with Glass syndrome (MIM#612313).